The following is an entry in ClinVar:

NM_007194.4(CHEK2):c.763A>G (p.Lys255Glu)

Gene: CHEK2 (checkpoint kinase 2; minus strand). Cytogenetic location: 22q12.1.
Variant type: single nucleotide variant.
Coding change: c.763A>G on transcript NM_007194.4 (MANE Select); coding-DNA position 763, A replaced by G.
Protein change: p.Lys255Glu; replaces lysine 255 with glutamic acid.
Molecular consequence: missense variant.
Genome position (GRCh38, 1-based): chr22:28,711,938, T>C on the plus strand (A>G on the coding strand, the complement: CHEK2 is on the minus strand). VCF-style: chr22-28711938-T-C. GRCh37 (hg19) VCF-style: chr22-29107926-T-C.
Other names: c.892A>G, p.Lys298Glu (NM_001005735.3); c.100A>G, p.Lys34Glu (NM_001257387.3); c.562A>G, p.Lys188Glu (NM_001349956.3); c.763A>G, p.Lys255Glu (NM_145862.3); short protein forms K34E, K188E, K255E, K298E.
Identifiers: ClinVar variation 3691805 (VCV003691805.2).

ClinVar aggregate classification (germline): Uncertain significance (1 of 4 stars; one submission).

Conditions:
Familial cancer of breast. Also called: hereditary breast carcinoma; BREAST CANCER, FAMILIAL; Hereditary breast cancer. Identifiers: Orphanet 227535, MedGen C0346153, MONDO:0016419, OMIM 114480. Disease mechanism: loss of function.

Submission:

Labcorp Genetics (formerly Invitae), Labcorp
Classification: Uncertain significance for Familial cancer of breast. Last evaluated: 2024-03-05. Review status: criteria provided, single submitter. Criteria: Invitae Variant Classification Sherloc (09022015). Collection method: clinical testing. Allele origin: germline.
Comment: This sequence change replaces lysine, which is basic and polar, with glutamic acid, which is acidic and polar, at codon 255 of the CHEK2 protein (p.Lys255Glu). This variant is not present in population databases (gnomAD no frequency). This variant has not been reported in the literature in individuals affected with CHEK2-related conditions. An algorithm developed to predict the effect of missense changes on protein structure and function (PolyPhen-2) suggests that this variant is likely to be tolerated. In summary, the available evidence is currently insufficient to determine the role of this variant in disease. Therefore, it has been classified as a Variant of Uncertain Significance.